The following is an entry in ClinVar:

NM_000821.7(GGCX):c.*680G>C

Gene: GGCX (gamma-glutamyl carboxylase; minus strand). Cytogenetic location: 2p11.2.
Variant type: single nucleotide variant.
Coding change: c.*680G>C on transcript NM_000821.7 (MANE Select); 680 bases downstream of the stop codon, G replaced by C.
Molecular consequence: 3 prime UTR variant.
Genome position (GRCh38, 1-based): chr2:85,549,254, C>G on the plus strand (G>C on the coding strand, the complement: GGCX is on the minus strand). VCF-style: chr2-85549254-C-G. GRCh37 (hg19) VCF-style: chr2-85776377-C-G.
Other names: c.*680G>C (NM_001142269.4).
Identifiers: ClinVar variation 894974 (VCV000894974.4), dbSNP rs139300235, ClinGen allele CA51731563.

ClinVar aggregate classification (germline): Likely benign (1 of 4 stars; one submission).

Conditions:
Vitamin K-dependent clotting factors, combined deficiency of, type 1. Also called: FACTORS II, VII, IX, AND X, COMBINED DEFICIENCY OF; FAMILIAL MULTIPLE COAGULATION FACTOR DEFICIENCY III; FMFD III; GLUTAMIC ACID, DEFICIENT GAMMA-CARBOXYLATION OF; MULTIPLE COAGULATION FACTOR DEFICIENCY III; VITAMIN K-DEPENDENT COAGULATION DEFECT. Identifiers: Orphanet 98434, MedGen C1848534, MONDO:0010187, OMIM 277450.

Allele frequency attached by ClinVar (database versions not stated): TOPMed 0.00025; 1000 Genomes Project 30x 0.00062; 1000 Genomes Project 0.00080; gnomAD 0.00090 and 0.00092.

Submission:

Illumina Laboratory Services, Illumina
Classification: Likely benign for Vitamin K-dependent clotting factors, combined deficiency of, type 1. Last evaluated: 2018-01-13. Review status: criteria provided, single submitter. Criteria: ICSL Variant Classification Criteria 13 December 2019. Collection method: clinical testing. Allele origin: germline.
Comment: This variant was observed in the ICSL laboratory as part of a predisposition screen in an ostensibly healthy population. It had not been previously curated by ICSL or reported in the Human Gene Mutation Database (HGMD: prior to June 1st, 2018), and was therefore a candidate for classification through an automated scoring system. Utilizing variant allele frequency, disease prevalence and penetrance estimates, and inheritance mode, an automated score was calculated to assess if this variant is too frequent to cause the disease. Based on the score and internal cut-off values, a variant classified as likely benign is not then subjected to further curation. The score for this variant resulted in a classification of likely benign for this disease.